The following is an entry in ClinVar:

ClinVar aggregate classification (germline): Uncertain significance. Review status: criteria provided, multiple submitters, no conflicts (2 of 4 stars). 4 submissions from 4 submitters: Uncertain significance (3). 1 of the submissions does not count toward it. Last evaluated 2026-09-02.

Conditions:
Inborn genetic diseases. Identifiers: MedGen C0950123, MeSH D030342.
CDH23-related disorder. Also called: CDH23-related condition; CDH23-related disorders.
Retinal dystrophy. Also called: Inherited retinal dystrophy. Identifiers: Orphanet 71862, MedGen C0854723, MeSH D058499, MONDO:0019118, HP:0000556.

Allele frequency attached by ClinVar (database versions not stated): gnomAD exomes 0.00001 and 0.00002; TOPMed 0.00001; gnomAD 0.00002.
gnomAD v4.1: 25 of 1,611,544 alleles (0.0016%); highest among the groups gnomAD compares: Middle Eastern, 0.049%; no homozygotes.

Submissions (4):

PreventionGenetics, part of Exact Sciences
Classification: Uncertain significance for CDH23-related condition. Last evaluated: 2026-09-02. Review status: criteria provided, single submitter. Criteria: ACMG Guidelines, 2015. Collection method: clinical testing. Allele origin: germline.
Comment: The CDH23 c.2117A>G variant is predicted to result in the amino acid substitution p.Gln706Arg. To our knowledge, this variant has not been reported in the literature. This variant is reported in 0.0032% of alleles in individuals of European (Non-Finnish) descent in gnomAD. At this time, the clinical significance of this variant is uncertain due to the absence of conclusive functional and genetic evidence.

Ambry Genetics
Classification: Uncertain significance for Inborn genetic diseases. Last evaluated: 2023-12-16. Review status: criteria provided, single submitter. Criteria: Ambry Variant Classification Scheme 2023. Collection method: clinical testing. Allele origin: germline.

Labcorp Genetics (formerly Invitae), Labcorp
Classification: Uncertain significance. Last evaluated: 2021-09-01. Review status: criteria provided, single submitter. Criteria: Invitae Variant Classification Sherloc (09022015). Collection method: clinical testing. Allele origin: germline.
Comment: This sequence change replaces glutamine with arginine at codon 706 of the CDH23 protein (p.Gln706Arg). The glutamine residue is highly conserved and there is a small physicochemical difference between glutamine and arginine. This variant is not present in population databases (ExAC no frequency). This variant has not been reported in the literature in individuals affected with CDH23-related conditions. Algorithms developed to predict the effect of missense changes on protein structure and function are either unavailable or do not agree on the potential impact of this missense change (SIFT: "Deleterious"; PolyPhen-2: "Not Available"; Align-GVGD: "Class C35"). In summary, the available evidence is currently insufficient to determine the role of this variant in disease. Therefore, it has been classified as a Variant of Uncertain Significance.

Institute of Human Genetics, Univ. Regensburg, Univ. Regensburg
Classification: Uncertain significance for Retinal dystrophy. Last evaluated: 2022-01-01. Review status: no assertion criteria provided. Criteria: ACMG Guidelines, 2015. Collection method: clinical testing. Allele origin: germline. Affected: yes. Not counted in ClinVar's aggregate classification.

NM_022124.6(CDH23):c.2117A>G (p.Gln706Arg)

Gene: CDH23 (cadherin related 23; plus strand). Cytogenetic location: 10q22.1.
Variant type: single nucleotide variant.
Coding change: c.2117A>G on transcript NM_022124.6 (MANE Select); coding-DNA position 2117, A replaced by G.
Protein change: p.Gln706Arg; replaces glutamine 706 with arginine.
Molecular consequence: missense variant.
Genome position (GRCh38, 1-based): chr10:71,690,525, A>G. VCF-style: chr10-71690525-A-G. GRCh37 (hg19) VCF-style: chr10-73450282-A-G.
Other names: c.2117A>G, p.Gln706Arg (NM_001171930.2, NM_001171931.2); c.2117A>G (NM_022124.5); short protein forms Q706R.
Identifiers: ClinVar variation 1430010 (VCV001430010.8), dbSNP rs868733212, ClinGen allele CA209438746.